The following is an entry in ClinVar:

ClinVar aggregate classification (germline): Uncertain significance (1 of 4 stars; one submission).

Conditions:
Autosomal recessive limb-girdle muscular dystrophy type 2D (LGMDR3). Also called: MUSCULAR DYSTROPHY, LIMB-GIRDLE, AUTOSOMAL RECESSIVE 3; DUCHENNE-LIKE AUTOSOMAL RECESSIVE MUSCULAR DYSTROPHY, TYPE 2; ADHALINOPATHY, PRIMARY. Identifiers: Orphanet 62, MedGen C2936332, MONDO:0011968, OMIM 608099. Disease mechanism: Affects gamma-sarcoglycan and also disrupts the integrity of the entire sarcoglycan complex..

Submission:

Kariminejad - Najmabadi Pathology & Genetics Center
Classification: Uncertain significance for Autosomal recessive limb-girdle muscular dystrophy type 2D. Last evaluated: 2017-12-23. Review status: criteria provided, single submitter. Criteria: ACMG Guidelines, 2015. Collection method: clinical testing. Allele origin: germline. Inheritance: Autosomal recessive inheritance. Affected: yes.
Comment: PM1,PM2,PP3

NM_000023.4(SGCA):c.259G>T (p.Gly87Cys)

Gene: SGCA (sarcoglycan alpha; plus strand). Cytogenetic location: 17q21.33.
Variant type: single nucleotide variant.
Coding change: c.259G>T on transcript NM_000023.4 (MANE Select); coding-DNA position 259, G replaced by T.
Protein change: p.Gly87Cys; replaces glycine 87 with cysteine.
Molecular consequence: missense variant. On other transcripts: non-coding transcript variant (1).
Genome position (GRCh38, 1-based): chr17:50,167,683, G>T. VCF-style: chr17-50167683-G-T. GRCh37 (hg19) VCF-style: chr17-48245044-G-T.
Other names: c.259G>T, p.Gly87Cys (NM_001135697.3); short protein forms G87C.
Identifiers: ClinVar variation 3896996 (VCV003896996.1).